The following is an entry in ClinVar:

ClinVar aggregate classification (germline): Likely benign (1 of 4 stars; one submission).

Submission:

CeGaT Center for Human Genetics Tuebingen
Classification: Likely benign. Last evaluated: 2025-08-01. Review status: criteria provided, single submitter. Criteria: CeGaT Center For Human Genetics Tuebingen Variant Classification Criteria Version 2. Collection method: clinical testing. Allele origin: germline. Affected: yes. Observed: 1 variant allele.
Comment: MSLNL: BP4, BP7

NC_000016.10:g.773025C>T

Variant type: single nucleotide variant.
Genome position: GRCh38 VCF-style: chr16-773025-C-T. GRCh37 (hg19) VCF-style: chr16-823025-C-T.
Identifiers: ClinVar variation 4084078 (VCV004084078.8).